The following is an entry in ClinVar:

NM_000255.4(MMUT):c.37C>T (p.Pro13Ser)

Gene: MMUT (methylmalonyl-CoA mutase; minus strand). Cytogenetic location: 6p12.3.
Variant type: single nucleotide variant.
Coding change: c.37C>T on transcript NM_000255.4 (MANE Select); coding-DNA position 37, C replaced by T.
Protein change: p.Pro13Ser; replaces proline 13 with serine.
Molecular consequence: missense variant.
Genome position (GRCh38, 1-based): chr6:49,459,430, G>A on the plus strand (C>T on the coding strand, the complement: MMUT is on the minus strand). VCF-style: chr6-49459430-G-A. GRCh37 (hg19) VCF-style: chr6-49427143-G-A.
Other names: NC_000006.11:g.49427143G>A; p.Pro13Ser; short protein forms P13S.
Identifiers: ClinVar variation 4329255 (VCV004329255.2).

ClinVar aggregate classification (germline): Uncertain significance (1 of 4 stars; one submission).

gnomAD v4.1: 13 of 1,613,300 alleles (0.00081%); highest among the groups gnomAD compares: African/African-American, 0.0013%; no homozygotes.

Submissions (2):

Mayo Clinic Laboratories, Mayo Clinic
Classification: Uncertain significance. Last evaluated: 2025-08-08. Review status: criteria provided, single submitter. Criteria: ACMG Guidelines, 2015. Collection method: clinical testing. Allele origin: germline. Observed: 1 variant allele.
Comment: PM2_supporting

Dr. Peter K. Rogan Lab, Western University
No classification provided (evidence only). Condition: Ovarian serous cystadenocarcinoma. Review status: no classification provided. Collection method: in vitro. Allele origin: not applicable. Functional consequence: retained intron. Not counted in ClinVar's aggregate classification.